The following is an entry in ClinVar:

NM_000043.6(FAS):c.77A>G (p.Gln26Arg)

Gene: FAS (Fas cell surface death receptor; plus strand). Cytogenetic location: 10q23.31.
Variant type: single nucleotide variant.
Coding change: c.77A>G on transcript NM_000043.6 (MANE Select); coding-DNA position 77, A replaced by G.
Protein change: p.Gln26Arg; replaces glutamine 26 with arginine.
Molecular consequence: missense variant. On other transcripts: non-coding transcript variant (7).
Genome position (GRCh38, 1-based): chr10:89,003,075, A>G. VCF-style: chr10-89003075-A-G. GRCh37 (hg19) VCF-style: chr10-90762832-A-G.
Other names: c.77A>G, p.Gln26Arg (NM_001320619.2, NM_152871.4, NM_152872.4); short protein forms Q26R.
Identifiers: ClinVar variation 1409348 (VCV001409348.8), dbSNP rs2133470846, ClinGen allele CA377507409.

ClinVar aggregate classification (germline): Uncertain significance (1 of 4 stars; one submission).

Conditions:
Autoimmune lymphoproliferative syndrome type 1. Also called: AUTOIMMUNE LYMPHOPROLIFERATIVE SYNDROME, TYPE I, AUTOSOMAL DOMINANT. Identifiers: Orphanet 3261, MedGen C2717884, MONDO:0011158, OMIM 601859.

Allele frequency attached by ClinVar (database versions not stated): gnomAD exomes below 0.00001.
gnomAD v4.1: 1 of 1,614,172 alleles (0.000062%); highest among the groups gnomAD compares: Admixed American, 0.0017%; no homozygotes.

Submission:

Labcorp Genetics (formerly Invitae), Labcorp
Classification: Uncertain significance for Autoimmune lymphoproliferative syndrome. Last evaluated: 2022-06-13. Review status: criteria provided, single submitter. Criteria: Invitae Variant Classification Sherloc (09022015). Collection method: clinical testing. Allele origin: germline.
Comment: This sequence change replaces glutamine with arginine at codon 26 of the FAS protein (p.Gln26Arg). The glutamine residue is moderately conserved and there is a small physicochemical difference between glutamine and arginine. Algorithms developed to predict the effect of missense changes on protein structure and function output the following: SIFT: "Not Available"; PolyPhen-2: "Benign"; Align-GVGD: "Not Available". The arginine amino acid residue is found in multiple mammalian species, which suggests that this missense change does not adversely affect protein function. This variant has not been reported in the literature in individuals affected with FAS-related conditions. This variant is not present in population databases (gnomAD no frequency). In summary, the available evidence is currently insufficient to determine the role of this variant in disease. Therefore, it has been classified as a Variant of Uncertain Significance.